The following is an entry in ClinVar:

NM_001723.7(DST):c.3410C>T (p.Thr1137Ile)

Gene: DST (dystonin; minus strand). Cytogenetic location: 6p12.1.
Variant type: single nucleotide variant.
Coding change: c.3410C>T on transcript NM_001723.7 (MANE Plus Clinical); coding-DNA position 3410, C replaced by T.
Protein change: p.Thr1137Ile; replaces threonine 1137 with isoleucine.
Molecular consequence: missense variant. On other transcripts: intron variant (10).
Genome position (GRCh38, 1-based): chr6:56,620,624, G>A on the plus strand (C>T on the coding strand, the complement: DST is on the minus strand). VCF-style: chr6-56620624-G-A. GRCh37 (hg19) VCF-style: chr6-56485422-G-A.
Other names: c.4830+3906C>T (NM_001144769.5); c.4929+3906C>T (NM_001374722.1, NM_001374736.1); c.4956+3906C>T (NM_001374734.1); c.4416+3906C>T (NM_001144770.2); c.4296+3906C>T (NM_001374730.1, NM_001386100.1, NM_183380.4 and 1 more transcripts); c.3318+3906C>T (NM_015548.5); short protein forms T1137I.
Identifiers: ClinVar variation 1701008 (VCV001701008.2), dbSNP rs767671723, ClinGen allele CA364571972.
Genomic context (GRCh38, chr6:56,620,624, plus strand): 5'-ACTCGGGACTTTTGTTTCTTTAGTTCAGCTACCATTCTTTCCAACTCACTTATCTTTCCT[G>A]TAAGTTTGCTATTCTCAAGCACTGTTGCCTTCTGACGCTGAAGCAGATCTGAATATGCCC-3'
Protein context (NP_001714.1, residues 1127-1147): KATVLENSKL[Thr1137Ile]GKISELERMV

ClinVar aggregate classification (germline): Uncertain significance (1 of 4 stars; one submission).

Submission:

GeneDx
Classification: Uncertain significance. Last evaluated: 2022-02-14. Review status: criteria provided, single submitter. Criteria: GeneDx Variant Classification Process June 2021. Collection method: clinical testing. Allele origin: germline. Affected: yes.
Comment: Not observed at significant frequency in large population cohorts (gnomAD); In silico analysis supports that this missense variant does not alter protein structure/function; Has not been previously published as pathogenic or benign to our knowledge